The following is an entry in ClinVar:

NM_003458.4(BSN):c.9135C>G (p.Pro3045=)

Gene: BSN (bassoon presynaptic cytomatrix protein; plus strand). Cytogenetic location: 3p21.31.
Variant type: single nucleotide variant.
Coding change: c.9135C>G on transcript NM_003458.4 (MANE Select); coding-DNA position 9135, C replaced by G.
Protein change: p.Pro3045=; no amino-acid change (proline 3045 retained).
Molecular consequence: synonymous variant.
Genome position (GRCh38, 1-based): chr3:49,660,980, C>G. VCF-style: chr3-49660980-C-G. GRCh37 (hg19) VCF-style: chr3-49698413-C-G.
Identifiers: ClinVar variation 3035566 (VCV003035566.2), dbSNP rs373255318, ClinGen allele CA2401004.

ClinVar aggregate classification (germline): Likely benign (0 of 4 stars; one submission).

Conditions:
BSN-related disorder. Also called: BSN-related condition.

Allele frequency attached by ClinVar (database versions not stated): 1000 Genomes Project 30x 0.00016; 1000 Genomes Project 0.00020; ESP Exome Variant Server 0.00031.
gnomAD v4.1: 427 of 1,611,722 alleles (0.026%); highest among the groups gnomAD compares: Non-Finnish European, 0.034%; no homozygotes.

Submission:

PreventionGenetics, part of Exact Sciences
Classification: Likely benign for BSN-related condition. Last evaluated: 2019-03-26. Review status: no assertion criteria provided. Collection method: clinical testing. Allele origin: germline.
Comment: This variant is classified as likely benign based on ACMG/AMP sequence variant interpretation guidelines (Richards et al. 2015 PMID: 25741868, with internal and published modifications).